The following is an entry in ClinVar:

ClinVar aggregate classification (germline): Uncertain significance. Review status: criteria provided, multiple submitters, no conflicts (2 of 4 stars). 2 submissions from 2 submitters: Uncertain significance (2). Last evaluated 2023-11-17.

Conditions:
Aplastic anemia. Identifiers: Orphanet 182040, Orphanet 88, MedGen C0002874, MONDO:0015909, OMIM 609135, HP:0001915.
Microcephaly, normal intelligence and immunodeficiency (NBS). Also called: IMMUNODEFICIENCY, MICROCEPHALY, AND CHROMOSOMAL INSTABILITY; SEEMANOVA SYNDROME II; Nijmegen breakage syndrome; Microcephaly with normal intelligence immunodeficiency and lymphoreticular malignancies; Nonsyndromal microcephaly autosomal recessive with normal intelligence; Seemanova syndrome 2. Identifiers: Orphanet 647, MedGen C0398791, MONDO:0009623, OMIM 251260.

Submissions (2):

Labcorp Genetics (formerly Invitae), Labcorp
Classification: Uncertain significance for Microcephaly, normal intelligence and immunodeficiency. Last evaluated: 2023-11-17. Review status: criteria provided, single submitter. Criteria: Invitae Variant Classification Sherloc (09022015). Collection method: clinical testing. Allele origin: germline.
Comment: This sequence change replaces alanine, which is neutral and non-polar, with valine, which is neutral and non-polar, at codon 481 of the NBN protein (p.Ala481Val). This variant is not present in population databases (gnomAD no frequency). This variant has not been reported in the literature in individuals affected with NBN-related conditions. An algorithm developed to predict the effect of missense changes on protein structure and function (PolyPhen-2) suggests that this variant is likely to be tolerated. Algorithms developed to predict the effect of sequence changes on RNA splicing suggest that this variant may disrupt the consensus splice site. In summary, the available evidence is currently insufficient to determine the role of this variant in disease. Therefore, it has been classified as a Variant of Uncertain Significance.

Baylor Genetics
Classification: Uncertain significance for Aplastic anemia. Last evaluated: 2023-03-10. Review status: criteria provided, single submitter. Criteria: ACMG Guidelines, 2015. Collection method: clinical testing. Allele origin: unknown.

NM_002485.5(NBN):c.1442C>T (p.Ala481Val)

Gene: NBN (nibrin; minus strand). Cytogenetic location: 8q21.3.
Variant type: single nucleotide variant.
Coding change: c.1442C>T on transcript NM_002485.5 (MANE Select); coding-DNA position 1442, C replaced by T.
Protein change: p.Ala481Val; replaces alanine 481 with valine.
Molecular consequence: missense variant.
Genome position (GRCh38, 1-based): chr8:89,953,647, G>A on the plus strand (C>T on the coding strand, the complement: NBN is on the minus strand). VCF-style: chr8-89953647-G-A. GRCh37 (hg19) VCF-style: chr8-90965875-G-A.
Other names: c.1196C>T, p.Ala399Val (NM_001024688.3); short protein forms A399V, A481V.
Identifiers: ClinVar variation 2676951 (VCV002676951.4), dbSNP rs2488234065, ClinGen allele CA371655837.
Genomic context (GRCh38, chr8:89,953,647, plus strand): 5'-CACAATGAGGGTGTAGCAGGTTGTGTTTGTTCTAAAAGAGAACAAGACGTTTCTATTCTT[G>A]CTGATTTGCATGAAGACATTTCTTGATTTTCTTCATCCCTTTCCCTTAGATTTAAAAAAA-3'
Protein context (NP_002476.2, residues 471-491): ENQEMSSCKS[Ala481Val]RIETSCSLLE